The following is an entry in ClinVar:

ClinVar aggregate classification (germline): Likely pathogenic. Review status: criteria provided, multiple submitters, no conflicts (2 of 4 stars). 3 submissions from 3 submitters: Likely pathogenic (3). Last evaluated 2024-03-06.

Conditions:
Short stature-onychodysplasia-facial dysmorphism-hypotrichosis syndrome. Also called: Short stature, onychodysplasia, facial dysmorphism, and hypotrichosis; SOFT SYNDROME. Identifiers: Orphanet 314394, MedGen C3542022, MONDO:0013894, OMIM 614813.
POC1A-related disorder. Also called: POC1A-related condition.

Submissions (3):

Fulgent Genetics
Classification: Likely pathogenic for Short stature-onychodysplasia-facial dysmorphism-hypotrichosis syndrome. Last evaluated: 2024-03-06. Review status: criteria provided, single submitter. Criteria: ACMG Guidelines, 2015. Collection method: clinical testing. Allele origin: germline.

PreventionGenetics, part of Exact Sciences
Classification: Likely pathogenic for POC1A-related condition. Last evaluated: 2023-04-05. Review status: criteria provided, single submitter. Criteria: ACMG Guidelines, 2015. Collection method: clinical testing. Allele origin: germline.
Comment: The POC1A c.893G>A variant is predicted to result in premature protein termination (p.Trp298*). This variant has been reported in a single affected individual in the ClinVar database. This variant has not been reported in a large population database, indicating this variant is rare. Nonsense variants in POC1A are expected to be pathogenic. This variant is interpreted as likely pathogenic.

Laboratorio de Genetica e Diagnostico Molecular, Hospital Israelita Albert Einstein
Classification: Likely pathogenic. Last evaluated: 2019-05-27. Review status: criteria provided, single submitter. Criteria: ACMG Guidelines, 2015. Collection method: clinical testing. Allele origin: germline. Affected: yes.
Comment: ACMG classification criteria: PVS1, PM2

NM_015426.5(POC1A):c.893G>A (p.Trp298Ter)

Gene: POC1A (POC1 centriolar protein A; minus strand). Cytogenetic location: 3p21.2.
Variant type: single nucleotide variant.
Coding change: c.893G>A on transcript NM_015426.5 (MANE Select); coding-DNA position 893, G replaced by A.
Protein change: p.Trp298Ter; replaces tryptophan 298 with a stop codon.
Molecular consequence: nonsense.
Genome position (GRCh38, 1-based): chr3:52,122,467, C>T on the plus strand (G>A on the coding strand, the complement: POC1A is on the minus strand). VCF-style: chr3-52122467-C-T. GRCh37 (hg19) VCF-style: chr3-52156483-C-T.
Other names: c.893G>A, p.Trp298Ter (NM_001161580.2); c.779G>A, p.Trp260Ter (NM_001161581.2); c.893G>A (NM_015426.4); short protein forms W260*, W298*.
Identifiers: ClinVar variation 1690956 (VCV001690956.4), dbSNP rs2107090748, ClinGen allele CA353056326.